The following is an entry in ClinVar:

NM_000218.3(KCNQ1):c.427del (p.Ser143fs)

Gene: KCNQ1 (potassium voltage-gated channel subfamily Q member 1; plus strand). Cytogenetic location: 11p15.5.
Variant type: Deletion.
Coding change: c.427del on transcript NM_000218.3 (MANE Select); coding-DNA position 427, one base deleted (T; older notation c.427delT).
Protein change: p.Ser143fs; shifts the reading frame from serine 143.
Molecular consequence: frameshift variant.
Genome position (GRCh38, 1-based): chr11:2,527,968, T deleted. VCF-style (leftmost placement, unchanged base first): chr11-2527967-GT-G. GRCh37 (hg19) VCF-style: chr11-2549197-GT-G.
Other names: c.427del, p.Ser143fs (NM_001406836.1, NM_001406838.1); c.157del, p.Ser53fs (NM_001406837.1); c.46del, p.Ser16fs (NM_181798.2); short protein forms S53fs, S143fs, S16fs.
Identifiers: ClinVar variation 4714005 (VCV004714005.1).

ClinVar aggregate classification (germline): Pathogenic (1 of 4 stars; one submission).

Conditions:
Long QT syndrome (LQTS). Identifiers: MedGen C0023976, MeSH D008133, MONDO:0002442. Disease mechanism: loss of function. Inheritance: Various modes of inheritance.

Submission:

Labcorp Genetics (formerly Invitae), Labcorp
Classification: Pathogenic for Long QT syndrome. Last evaluated: 2025-02-27. Review status: criteria provided, single submitter. Criteria: Invitae Variant Classification Sherloc (09022015). Collection method: clinical testing. Allele origin: germline.
Comment: This sequence change creates a premature translational stop signal (p.Ser143Profs*94) in the KCNQ1 gene. It is expected to result in an absent or disrupted protein product. Loss-of-function variants in KCNQ1 are known to be pathogenic (PMID: 9323054, 19862833). This variant is not present in population databases (gnomAD no frequency). This variant has not been reported in the literature in individuals affected with KCNQ1-related conditions. For these reasons, this variant has been classified as Pathogenic.

Literature cited by the submitters: PubMed 9323054; PubMed 19862833.